The following is an entry in ClinVar:

Single allele

Gene: ZBTB18 (zinc finger and BTB domain containing 18; plus strand). Cytogenetic location: 1q44.
Variant type: Deletion.
Identifiers: ClinVar variation 4819202 (VCV004819202.1).

ClinVar aggregate classification (germline): Pathogenic (1 of 4 stars; one submission).

Conditions:
Intellectual developmental disorder, autosomal dominant 22. Also called: Intellectual disability, autosomal dominant 22. Identifiers: MedGen CN029689, MONDO:0012869, OMIM 612337.

Submission:

Broad Center for Mendelian Genomics, Broad Institute of MIT and Harvard
Classification: Pathogenic for Intellectual developmental disorder, autosomal dominant 22. Last evaluated: 2023-05-01. Review status: criteria provided, single submitter. Criteria: ACMG/ClinGen CNV Guidelines, 2019. Collection method: research. Allele origin: germline. Inheritance: Autosomal dominant inheritance. Affected: yes.
Comment: These breakpoints have been called by exome sequencing only and therefore may not reflect the true breakpoints. The patient phenotype is nonspecific, but is consistent with cases described in the literature and/or published databases with overlapping variants. This exon deletion has also been found in two individuals with intellectual disability (internal unpublished data). In both individuals the variant is confirmed de novo and the reported phenotype is nonspecific. There is partial overlap with the 5’ end of the ZBTB18 gene including coding sequence, which is known to be haploinsufficient, and has been assessed by the ClinGen Dosage Sensitivity Working Group. Data from large population studies are insufficient to assess the frequency of this variant. In summary, this variant meets criteria to be classified as pathogenic for autosomal dominant intellectual developmental disorder. The ACMG/ClinGen evidence codes and points used in this curation are as follows: 1: 0 points, 2: 0.90 points, 3: 0 points, 4-5: 0.4 points Total; 1.3 points; Riggs 2020 (PMID: 31690835).